The following is an entry in ClinVar:

ClinVar aggregate classification (germline): Uncertain significance (1 of 4 stars; one submission).

Allele frequency attached by ClinVar (database versions not stated): ESP Exome Variant Server 0.00023; gnomAD exomes 0.00038; ExAC 0.00045.
gnomAD v4.1: 580 of 1,570,822 alleles (0.037%); highest among the groups gnomAD compares: Non-Finnish European, 0.046%; no homozygotes.

Submission:

Labcorp Genetics (formerly Invitae), Labcorp
Classification: Uncertain significance. Last evaluated: 2025-12-05. Review status: criteria provided, single submitter. Criteria: Invitae Variant Classification Sherloc (09022015). Collection method: clinical testing. Allele origin: germline.
Comment: This sequence change replaces threonine, which is neutral and polar, with isoleucine, which is neutral and non-polar, at codon 74 of the FBN3 protein (p.Thr74Ile). This variant is present in population databases (rs141763343, gnomAD 0.03%). This variant has not been reported in the literature in individuals affected with FBN3-related conditions. ClinVar contains an entry for this variant (Variation ID: 2065336). An algorithm developed to predict the effect of missense changes on protein structure and function (PolyPhen-2) suggests that this variant is likely to be disruptive. In summary, the available evidence is currently insufficient to determine the role of this variant in disease. Therefore, it has been classified as a Variant of Uncertain Significance.

NM_032447.5(FBN3):c.221C>T (p.Thr74Ile)

Gene: FBN3 (fibrillin 3; minus strand). Cytogenetic location: 19p13.2.
Variant type: single nucleotide variant.
Coding change: c.221C>T on transcript NM_032447.5 (MANE Select); coding-DNA position 221, C replaced by T.
Protein change: p.Thr74Ile; replaces threonine 74 with isoleucine.
Molecular consequence: missense variant.
Genome position (GRCh38, 1-based): chr19:8,147,133, G>A on the plus strand (C>T on the coding strand, the complement: FBN3 is on the minus strand). VCF-style: chr19-8147133-G-A. GRCh37 (hg19) VCF-style: chr19-8212017-G-A.
Other names: c.221C>T, p.Thr74Ile (NM_001321431.2); short protein forms T74I.
Identifiers: ClinVar variation 2065336 (VCV002065336.4), dbSNP rs141763343, ClinGen allele CA9153827.